The following is an entry in ClinVar:

ClinVar aggregate classification (germline): Uncertain significance (1 of 4 stars; one submission).

Submission:

Labcorp Genetics (formerly Invitae), Labcorp
Classification: Uncertain significance. Last evaluated: 2024-09-04. Review status: criteria provided, single submitter. Criteria: Invitae Variant Classification Sherloc (09022015). Collection method: clinical testing. Allele origin: germline.
Comment: This sequence change falls in intron 8 of the MSH3 gene. It does not directly change the encoded amino acid sequence of the MSH3 protein. It affects a nucleotide within the consensus splice site. This variant is not present in population databases (gnomAD no frequency). This variant has not been reported in the literature in individuals affected with MSH3-related conditions. Variants that disrupt the consensus splice site are a relatively common cause of aberrant splicing (PMID: 17576681, 9536098). Algorithms developed to predict the effect of sequence changes on RNA splicing suggest that this variant is not likely to affect RNA splicing. In summary, the available evidence is currently insufficient to determine the role of this variant in disease. Therefore, it has been classified as a Variant of Uncertain Significance.

Literature cited by the submitters: PubMed 17576681; PubMed 9536098.

NM_002439.5(MSH3):c.1341-3C>T

Gene: MSH3 (mutS homolog 3; plus strand). Cytogenetic location: 5q14.1.
Variant type: single nucleotide variant.
Coding change: c.1341-3C>T on transcript NM_002439.5 (MANE Select); 3 bases into the intron before coding-DNA position 1341, C replaced by T.
Molecular consequence: intron variant.
Genome position (GRCh38, 1-based): chr5:80,725,450, C>T. VCF-style: chr5-80725450-C-T. GRCh37 (hg19) VCF-style: chr5-80021269-C-T.
Identifiers: ClinVar variation 3686627 (VCV003686627.2).